The following is an entry in ClinVar:

NM_005006.7(NDUFS1):c.1800G>C (p.Glu600Asp)

Gene: NDUFS1 (NADH:ubiquinone oxidoreductase core subunit S1; minus strand). Cytogenetic location: 2q33.3.
Variant type: single nucleotide variant.
Coding change: c.1800G>C on transcript NM_005006.7 (MANE Select); coding-DNA position 1800, G replaced by C.
Protein change: p.Glu600Asp; replaces glutamic acid 600 with aspartic acid.
Molecular consequence: missense variant.
Genome position (GRCh38, 1-based): chr2:206,127,881, C>G on the plus strand (G>C on the coding strand, the complement: NDUFS1 is on the minus strand). VCF-style: chr2-206127881-C-G. GRCh37 (hg19) VCF-style: chr2-206992605-C-G.
Other names: c.1692G>C, p.Glu564Asp (NM_001199981.2); c.1467G>C, p.Glu489Asp (NM_001199982.2); c.1629G>C, p.Glu543Asp (NM_001199983.2); c.1842G>C, p.Glu614Asp (NM_001199984.2); short protein forms E600D, E489D, E614D, E543D, E564D.
Identifiers: ClinVar variation 214777 (VCV000214777.2), dbSNP rs863224099, ClinGen allele CA320092.

ClinVar aggregate classification (germline): Likely pathogenic (1 of 4 stars; one submission).

Allele frequency attached by ClinVar (database versions not stated): TOPMed below 0.00001; gnomAD 0.00001.
gnomAD v4.1: 1 of 1,614,012 alleles (0.000062%); highest among the groups gnomAD compares: Non-Finnish European, 0.000085%; no homozygotes.

Submission:

GeneDx
Classification: Likely pathogenic. Last evaluated: 2013-02-15. Review status: criteria provided, single submitter. Criteria: GeneDx Variant Classification (06012015). Collection method: clinical testing. Allele origin: germline. Affected: yes.
Comment: p.Glu600Asp (GAG>GAC): c.1800 G>C in exon 16 of the NDUFS1 gene (NM_005006.5). The E600D variant has not been published as a mutation, nor has it been reported as a benign polymorphism to our knowledge. The amino acid change is conservative in that both Glutamic Acid and Aspartic Acid are uncharged, polar amino acids. However, E600D occurs at a position in the NDUFS1 protein that is highly conserved across species and related proteins, and in silico analyses predict that E600D is damaging to the protein. Therefore, E600D is a strong candidate for a disease-causing mutation, however the possibility that it is a benign variant cannot be excluded. The variant is found in MITONUC-MITOP panel(s).